The following is an entry in ClinVar:

NM_177438.3(DICER1):c.1752G>A (p.Lys584=)

Gene: DICER1 (dicer 1, ribonuclease III; minus strand). Cytogenetic location: 14q32.13.
Variant type: single nucleotide variant.
Coding change: c.1752G>A on transcript NM_177438.3 (MANE Select); coding-DNA position 1752, G replaced by A.
Protein change: p.Lys584=; no amino-acid change (lysine 584 retained).
Molecular consequence: synonymous variant.
Genome position (GRCh38, 1-based): chr14:95,116,453, C>T on the plus strand (G>A on the coding strand, the complement: DICER1 is on the minus strand). VCF-style: chr14-95116453-C-T. GRCh37 (hg19) VCF-style: chr14-95582790-C-T.
Other names: c.1752G>A, p.Lys584= (NM_001195573.1, NM_001271282.3, NM_001291628.2 and 1 more transcripts).
Identifiers: ClinVar variation 819978 (VCV000819978.5), dbSNP rs1595410309, ClinGen allele CA487845050.

ClinVar aggregate classification (germline): Uncertain significance (1 of 4 stars; one submission).

Conditions:
Hereditary cancer-predisposing syndrome. Also called: Tumor predisposition; Neoplastic Syndromes, Hereditary; Hereditary Cancer Syndrome; Hereditary neoplastic syndrome. Identifiers: Orphanet 140162, MedGen C0027672, MeSH D009386, MONDO:0015356.

Submission:

Ambry Genetics
Classification: Uncertain significance for Hereditary cancer-predisposing syndrome. Last evaluated: 2026-02-13. Review status: criteria provided, single submitter. Criteria: Ambry Variant Classification Scheme 2023. Collection method: clinical testing. Allele origin: germline.
Comment: The c.1752G>A variant (also known as p.K584K), located in coding exon 9 of the DICER1 gene, results from a G to A substitution at nucleotide position 1752. This nucleotide substitution does not change the lysine at codon 584. However, this change occurs in the last base pair of coding exon 9, which makes it likely to have some effect on normal mRNA splicing. This nucleotide position is highly conserved in available vertebrate species. In silico splice site analysis predicts that this alteration will not have any significant effect on splicing. Based on the available evidence, the clinical significance of this variant remains unclear.